The following is an entry in ClinVar:

NM_001379500.1(COL18A1):c.2869G>A (p.Gly957Ser)

Genes: COL18A1 (collagen type XVIII alpha 1 chain; plus strand), SLC19A1 (solute carrier family 19 member 1; minus strand). Cytogenetic location: 21q22.3.
Variant type: single nucleotide variant.
Coding change: c.2869G>A on transcript NM_001379500.1 (MANE Select); coding-DNA position 2869, G replaced by A.
Protein change: p.Gly957Ser; replaces glycine 957 with serine.
Molecular consequence: missense variant.
Genome position (GRCh38, 1-based): chr21:45,505,134, G>A. VCF-style: chr21-45505134-G-A. GRCh37 (hg19) VCF-style: chr21-46925048-G-A.
Other names: c.3400G>A, p.Gly1134Ser (NM_030582.4); c.4105G>A, p.Gly1369Ser (NM_130444.3); short protein forms G1134S, G1369S, G957S.
Identifiers: ClinVar variation 1716701 (VCV001716701.4), dbSNP rs2146080555, ClinGen allele CA410499371.

ClinVar aggregate classification (germline): Uncertain significance (1 of 4 stars; one submission).

Submission:

Labcorp Genetics (formerly Invitae), Labcorp
Classification: Uncertain significance. Last evaluated: 2023-06-29. Review status: criteria provided, single submitter. Criteria: Invitae Variant Classification Sherloc (09022015). Collection method: clinical testing. Allele origin: germline.
Comment: ClinVar contains an entry for this variant (Variation ID: 1716701). In summary, the available evidence is currently insufficient to determine the role of this variant in disease. Therefore, it has been classified as a Variant of Uncertain Significance. Experimental studies and prediction algorithms are not available or were not evaluated, and the functional significance of this variant is currently unknown. This variant has not been reported in the literature in individuals affected with COL18A1-related conditions. This variant is not present in population databases (gnomAD no frequency). This sequence change replaces glycine, which is neutral and non-polar, with serine, which is neutral and polar, at codon 954 of the COL18A1 protein (p.Gly954Ser).